The following is an entry in ClinVar:

NM_004174.4(SLC9A3):c.2390C>G (p.Thr797Ser)

Genes: SLC9A3 (solute carrier family 9 member A3), SLC9A3-AS1 (SLC9A3 antisense RNA 1; plus strand). Cytogenetic location: 5p15.33.
Variant type: single nucleotide variant.
Coding change: c.2390C>G on transcript NM_004174.4 (MANE Select); coding-DNA position 2390, C replaced by G.
Protein change: p.Thr797Ser; replaces threonine 797 with serine.
Molecular consequence: missense variant.
Genome position (GRCh38, 1-based): chr5:474,994, G>C on the plus strand (C>G on the coding strand, the complement: SLC9A3 is on the minus strand). VCF-style: chr5-474994-G-C. GRCh37 (hg19) VCF-style: chr5-475109-G-C.
Other names: c.2363C>G, p.Thr788Ser (NM_001284351.3); short protein forms T797S, T788S.
Identifiers: ClinVar variation 1429270 (VCV001429270.6), dbSNP rs2126602468, ClinGen allele CA359023145.

ClinVar aggregate classification (germline): Uncertain significance (1 of 4 stars; one submission).

Submission:

Labcorp Genetics (formerly Invitae), Labcorp
Classification: Uncertain significance. Last evaluated: 2022-07-06. Review status: criteria provided, single submitter. Criteria: Invitae Variant Classification Sherloc (09022015). Collection method: clinical testing. Allele origin: germline.
Comment: In summary, the available evidence is currently insufficient to determine the role of this variant in disease. Therefore, it has been classified as a Variant of Uncertain Significance. This sequence change replaces threonine, which is neutral and polar, with serine, which is neutral and polar, at codon 797 of the SLC9A3 protein (p.Thr797Ser). This variant is not present in population databases (gnomAD no frequency). This variant has not been reported in the literature in individuals affected with SLC9A3-related conditions. ClinVar contains an entry for this variant (Variation ID: 1429270). Algorithms developed to predict the effect of missense changes on protein structure and function are either unavailable or do not agree on the potential impact of this missense change (SIFT: "Not Available"; PolyPhen-2: "Benign"; Align-GVGD: "Not Available").